The following is an entry in ClinVar:

NM_007259.5(VPS45):c.320T>A (p.Val107Glu)

Gene: VPS45 (vacuolar protein sorting 45 homolog; plus strand). Cytogenetic location: 1q21.2.
Variant type: single nucleotide variant.
Coding change: c.320T>A on transcript NM_007259.5 (MANE Select); coding-DNA position 320, T replaced by A.
Protein change: p.Val107Glu; replaces valine 107 with glutamic acid.
Molecular consequence: missense variant. On other transcripts: non-coding transcript variant (1).
Genome position (GRCh38, 1-based): chr1:150,076,263, T>A. VCF-style: chr1-150076263-T-A. GRCh37 (hg19) VCF-style: chr1-150048341-T-A.
Other names: c.212T>A, p.Val71Glu (NM_001279353.2, NM_001279354.2); c.320T>A (NM_007259.3); short protein forms V107E, V71E.
Identifiers: ClinVar variation 2415975 (VCV002415975.5), dbSNP rs1306410103, ClinGen allele CA342262219.

ClinVar aggregate classification (germline): Uncertain significance. Review status: criteria provided, multiple submitters, no conflicts (2 of 4 stars). 3 submissions from 3 submitters: Uncertain significance (3). Last evaluated 2024-04-25.

Conditions:
Inborn genetic diseases. Identifiers: MedGen C0950123, MeSH D030342.
Congenital neutropenia-myelofibrosis-nephromegaly syndrome. Also called: Severe congenital neutropenia 5, autosomal recessive. Identifiers: Orphanet 369852, MedGen C3809031, MONDO:0014118, OMIM 615285.

Allele frequency attached by ClinVar (database versions not stated): gnomAD 0.00001; TOPMed 0.00001.
gnomAD v4.1: 14 of 1,608,444 alleles (0.00087%); highest among the groups gnomAD compares: Non-Finnish European, 0.0012%; no homozygotes.

Submissions (3):

Blueprint Genetics
Classification: Uncertain significance. Last evaluated: 2024-04-25. Review status: criteria provided, single submitter. Criteria: ACMG Guidelines, 2015. Collection method: clinical testing. Allele origin: germline.

Ambry Genetics
Classification: Uncertain significance for Inborn genetic diseases. Last evaluated: 2023-12-11. Review status: criteria provided, single submitter. Criteria: Ambry Variant Classification Scheme 2023. Collection method: clinical testing. Allele origin: germline.

Labcorp Genetics (formerly Invitae), Labcorp
Classification: Uncertain significance for Congenital neutropenia-myelofibrosis-nephromegaly syndrome. Last evaluated: 2022-06-15. Review status: criteria provided, single submitter. Criteria: Invitae Variant Classification Sherloc (09022015). Collection method: clinical testing. Allele origin: germline.
Comment: This sequence change replaces valine, which is neutral and non-polar, with glutamic acid, which is acidic and polar, at codon 107 of the VPS45 protein (p.Val107Glu). This variant is present in population databases (no rsID available, gnomAD 0.003%). This variant has not been reported in the literature in individuals affected with VPS45-related conditions. Algorithms developed to predict the effect of missense changes on protein structure and function (SIFT, PolyPhen-2, Align-GVGD) all suggest that this variant is likely to be disruptive. In summary, the available evidence is currently insufficient to determine the role of this variant in disease. Therefore, it has been classified as a Variant of Uncertain Significance.